The following is an entry in ClinVar:

NM_004360.5(CDH1):c.1137G>A (p.Thr379=)

Gene: CDH1 (cadherin 1; plus strand). Cytogenetic location: 16q22.1.
Variant type: single nucleotide variant.
Coding change: c.1137G>A on transcript NM_004360.5 (MANE Select); coding-DNA position 1137, G replaced by A.
Protein change: p.Thr379=; no amino-acid change (threonine 379 retained).
Molecular consequence: synonymous variant. On other transcripts: 5 prime UTR variant (2).
Genome position (GRCh38, 1-based): chr16:68,812,263, G>A. VCF-style: chr16-68812263-G-A. GRCh37 (hg19) VCF-style: chr16-68846166-G-A.
Other names: NM_004360.4(CDH1):c.1137G>A; 1137G-A; c.1137G>A (LRG_301t1); c.1137G>A, p.Thr379= (NM_001317184.2); c.-479G>A (NM_001317185.2); c.-683G>A (NM_001317186.2).
Identifiers: ClinVar variation 156499 (VCV000156499.68), dbSNP rs587783050, ClinGen allele CA186229.

ClinVar aggregate classification (germline): Pathogenic. Review status: reviewed by expert panel (3 of 4 stars). 19 submissions from 19 submitters: Pathogenic (1). 18 of the submissions do not count toward it. Last evaluated 2023-08-29.

Conditions:
Ovarian cancer. Also called: OVARIAN CANCER, SOMATIC. Identifiers: Orphanet 213500, MedGen C1140680, MONDO:0008170, OMIM 167000.
Familial cancer of breast. Also called: BREAST CANCER, FAMILIAL; hereditary breast carcinoma; Hereditary breast cancer. Identifiers: Orphanet 227535, MedGen C0346153, MONDO:0016419, OMIM 114480. Disease mechanism: loss of function.
Diffuse gastric and lobular breast cancer syndrome with cleft lip and with or without cleft palate. Identifiers: MedGen C5677027.
CDH1-related disorder. Also called: CDH1-related condition.
CDH1-related diffuse gastric and lobular breast cancer syndrome. Also called: CDH1-related diffuse gastric and lobular breast cancer. Identifiers: MedGen CN311521, MONDO:0100488.
Hereditary cancer-predisposing syndrome. Also called: Tumor predisposition; Neoplastic Syndromes, Hereditary; Hereditary neoplastic syndrome; Hereditary Cancer Syndrome. Identifiers: Orphanet 140162, MedGen C0027672, MeSH D009386, MONDO:0015356.
Hereditary diffuse gastric adenocarcinoma (HDGC). Also called: DIFFUSE GASTRIC AND LOBULAR BREAST CANCER SYNDROME. Identifiers: Orphanet 26106, MedGen C1708349, MONDO:0007648, OMIM 137215.

Allele frequency attached by ClinVar (database versions not stated): gnomAD exomes below 0.00001; TOPMed 0.00001.
gnomAD v4.1: 1 of 1,613,960 alleles (0.000062%); highest among the groups gnomAD compares: Non-Finnish European, 0.000085%; no homozygotes.

Submissions 1 to 10 of 21:

Clingen Gastric Cancer Variant Curation Expert Panel
Classification: Pathogenic for CDH1-related diffuse gastric and lobular breast cancer syndrome. Last evaluated: 2023-08-29. Review status: reviewed by expert panel. Criteria: ClinGen CDH1 ACMG Specifications V3.1. Collection method: curation. Allele origin: germline. Inheritance: Autosomal dominant inheritance.
Comment: The c.1137G>A p.(Thr379=) variant results in a G to non-G change at the last nucleotide of an exon (PVS1_Moderate). The variant is absent in the gnomAD cohort (PM2_Supporting). There is also an RNA assay demonstrating abnormal out-of-frame transcript (PS3; PMID: 15831593). Additionally, this variant has been reported in at least 4 families meeting HDGC clinical criteria (PS4; PMID: 15831593, 17545690, 17221870, 21681551, 27995193). In summary, this variant meets criteria to be classified as pathogenic based on the ACMG/AMP criteria applied as specified by the CDH1 Variant Curation Expert Panel (Variant Interpretation Guidelines Version 3.1): PVS1_Moderate, PM2_Supporting, PS3, PS4.

Genetics Laboratory, Great Ormond Street Hospital NHS Foundation Trust, North Thames Genomic Laboratory Hub
Classification: Pathogenic for Hereditary diffuse gastric cancer. Last evaluated: 2026-08-27. Review status: criteria provided, single submitter. Criteria: CanVIG Consensus Spec V3.0. Collection method: clinical testing. Allele origin: germline. Affected: yes. Not counted in ClinVar's aggregate classification.
Comment: PS4_strong, PM2_supporting, PVS1_strong, PM5_supporting

Labcorp Genetics (formerly Invitae), Labcorp
Classification: Pathogenic for Hereditary diffuse gastric adenocarcinoma. Last evaluated: 2026-01-16. Review status: criteria provided, single submitter. Criteria: Invitae Variant Classification Sherloc (09022015). Collection method: clinical testing. Allele origin: germline. Not counted in ClinVar's aggregate classification.
Comment: This sequence change affects codon 379 of the CDH1 mRNA. It is a 'silent' change, meaning that it does not change the encoded amino acid sequence of the CDH1 protein. RNA analysis indicates that this variant induces altered splicing and may result in an absent or altered protein product. This variant is not present in population databases (gnomAD no frequency). This variant has been observed in individuals with clinical features of hereditary diffuse gastric cancer (PMID: 15831593, 17221870, 17545690, 19725995, 21681551, 23709761, 26025002, 27682646; internal data). It has also been observed to segregate with disease in related individuals. ClinVar contains an entry for this variant (Variation ID: 156499). Variants that disrupt the consensus splice site are a relatively common cause of aberrant splicing (PMID: 17576681, 9536098). Studies have shown that this variant results in aberrant splicing, leading to expression of several defective alternate splicing products and high levels of allelic expression imbalance of the CDH1 gene, and produces a non-functional protein and/or introduces a premature termination codon (PMID: 15831593, 18427545, 19965908). For these reasons, this variant has been classified as Pathogenic.

Ambry Genetics
Classification: Pathogenic for Hereditary cancer-predisposing syndrome. Last evaluated: 2025-07-23. Review status: criteria provided, single submitter. Criteria: Ambry Variant Classification Scheme 2023. Collection method: clinical testing. Allele origin: germline. Not counted in ClinVar's aggregate classification.
Comment: The c.1137G>A mutation (also known as p.T379T) is located in coding exon 8 of the CDH1 gene. This mutation results from a G to A substitution at nucleotide position 1137. This nucleotide substitution does not change the threonine at codon 379. However, this change occurs in the last nucleotide of coding exon 8, adjacent to the canonical splice donor site, and leads to the generation of an alternately spliced transcript harboring a premature stop codon (Karam R et al. Oncogene. 2008 Jul;27:4255-60; Ambry internal data). This mutation has been observed in multiple HDGC families (Lynch HT et al. Fam Cancer. 2011 Dec;10:667-72; More H et al. Hum. Mutat. 2007 Feb;28:203; Kaurah P et al. JAMA. 2007 Jun;297:2360-72; Pantelis D et al. Int J Colorectal Dis. 2016 Dec;31:1825-1833), including one family where this mutation segregated with disease through two generations and was also found in three family members with both gastric cancer and cleft lip and palate, and another family member with gastric cancer and cleft lip (Frebourg T et al. J. Med. Genet. 2006 Feb;43:138-42). This variant is considered to be rare based on population cohorts in the Genome Aggregation Database (gnomAD). Based on the available evidence to date, this alteration is classified as a pathogenic mutation.

Blueprint Genetics
Classification: Pathogenic for CDH1-related disorders. Last evaluated: 2024-01-22. Review status: criteria provided, single submitter. Criteria: ACMG Guidelines, 2015. Collection method: clinical testing. Allele origin: germline. Affected: yes. Observed: 1 variant allele. Not counted in ClinVar's aggregate classification.

CeGaT Center for Human Genetics Tuebingen
Classification: Pathogenic. Last evaluated: 2023-12-01. Review status: criteria provided, single submitter. Criteria: CeGaT Center For Human Genetics Tuebingen Variant Classification Criteria Version 2. Collection method: clinical testing. Allele origin: germline. Affected: yes. Observed: 1 variant allele. Not counted in ClinVar's aggregate classification.
Comment: CDH1: PS4, PM2, PVS1:Moderate, PP1, PS3:Supporting

Institute of Human Genetics, University of Leipzig Medical Center
Classification: Pathogenic for Hereditary diffuse gastric adenocarcinoma. Last evaluated: 2023-05-16. Review status: criteria provided, single submitter. Criteria: ACMG Guidelines, 2015. Collection method: clinical testing. Allele origin: unknown. Inheritance: Autosomal dominant inheritance. Affected: yes. Not counted in ClinVar's aggregate classification.
Comment: Criteria applied: PVS1,PS4,PS1_SUP,PM2_SUP, PS3

GeneDx
Classification: Pathogenic. Last evaluated: 2023-03-24. Review status: criteria provided, single submitter. Criteria: GeneDx Variant Classification Process June 2021. Collection method: clinical testing. Allele origin: germline. Affected: yes. Not counted in ClinVar's aggregate classification.
Comment: Variant at the last nucleotide of an exon predicted to result in a null allele in a gene for which loss-of-function is a known mechanism of disease (Frebourg et al., 2006; Karam et al., 2008); Not observed at significant frequency in large population cohorts (gnomAD); This variant is associated with the following publications: (PMID: 26025002, 19965908, 17221870, 19725995, 21681551, 15831593, 21271559, 28117042, 27682646, 28281021, 22225527, 20373070, 19269290, 29468433, 17545690, 23709761, 26182300, 30311375, 32362280, 30426508, 34949788, 30745422, 31514334, 27995193, 18427545)

Myriad Genetics, Inc.
Classification: Likely pathogenic for Hereditary diffuse gastric adenocarcinoma. Last evaluated: 2023-03-06. Review status: criteria provided, single submitter. Criteria: Myriad Autosomal Dominant, Autosomal Recessive and X-Linked Classification Criteria (2023). Collection method: clinical testing. Allele origin: unknown. Not counted in ClinVar's aggregate classification.
Comment: This variant is considered likely pathogenic. mRNA analysis has demonstrated abnormal mRNA splicing occurs [Myriad internal data,17726045, 15831593]. This variant has been reported in multiple individuals with clinical features of gene-specific disease [17545690, 17221870, 21681551].

Color Diagnostics, LLC DBA Color Health
Classification: Pathogenic for Hereditary cancer-predisposing syndrome. Last evaluated: 2023-02-17. Review status: criteria provided, single submitter. Criteria: ACMG Guidelines, 2015. Collection method: clinical testing. Allele origin: germline. Not counted in ClinVar's aggregate classification.
Comment: This variant causes a G>A nucleotide substitution at the last nucleotide of exon 8 of the CDH1 gene. Splice site prediction tools suggest that this variant may impact RNA splicing. Functional RNA studies using patient-derived cells have shown that this variant causes a complex aberrant splicing affecting exon 8 (PMID: 15831593, 18427545, 19965908). This variant has been reported in multiple individuals affected with diffuse gastric cancer (PMID: 15831593, 17221870, 17545690, 21271559, 21681551, 23709761, 27682646, 32362280) and lobular breast cancer (PMID: 30426508). This variant has not been identified in the general population by the Genome Aggregation Database (gnomAD). Based on the available evidence, this variant is classified as Pathogenic.